The following is an entry in ClinVar:

ClinVar aggregate classification (germline): Benign/Likely benign. Review status: criteria provided, multiple submitters, no conflicts (2 of 4 stars). 3 submissions from 3 submitters: Benign (1); Likely benign (2). Last evaluated 2025-03-26.

Conditions:
Hereditary cancer-predisposing syndrome. Also called: Neoplastic Syndromes, Hereditary; Tumor predisposition; Hereditary Cancer Syndrome; Hereditary neoplastic syndrome. Identifiers: Orphanet 140162, MedGen C0027672, MeSH D009386, MONDO:0015356.
Oligodontia-cancer predisposition syndrome. Also called: TOOTH AGENESIS-COLORECTAL CANCER SYNDROME. Identifiers: Orphanet 300576, MedGen C1837750, MONDO:0012075, OMIM 608615. Disease mechanism: loss of function.

Allele frequency attached by ClinVar (database versions not stated): gnomAD exomes below 0.00001.
gnomAD v4.1: 2 of 1,613,652 alleles (0.00012%); highest among the groups gnomAD compares: Non-Finnish European, 0.00017%; no homozygotes.

Submissions (3):

Labcorp Genetics (formerly Invitae), Labcorp
Classification: Likely benign for Oligodontia-cancer predisposition syndrome. Last evaluated: 2025-03-26. Review status: criteria provided, single submitter. Criteria: Invitae Variant Classification Sherloc (09022015). Collection method: clinical testing. Allele origin: germline.

Myriad Genetics, Inc.
Classification: Benign for Oligodontia-cancer predisposition syndrome. Last evaluated: 2024-07-08. Review status: criteria provided, single submitter. Criteria: Myriad Autosomal Dominant, Autosomal Recessive and X-Linked Classification Criteria (2023). Collection method: clinical testing. Allele origin: unknown.
Comment: This variant is considered benign. This variant is a silent/synonymous amino acid change and it is not expected to impact splicing.

Ambry Genetics
Classification: Likely benign for Hereditary cancer-predisposing syndrome. Last evaluated: 2018-12-27. Review status: criteria provided, single submitter. Criteria: Ambry Variant Classification Scheme 2023. Collection method: clinical testing. Allele origin: germline.

NM_004655.4(AXIN2):c.1872G>A (p.Leu624=)

Gene: AXIN2 (axin 2; minus strand). Cytogenetic location: 17q24.1.
Variant type: single nucleotide variant.
Coding change: c.1872G>A on transcript NM_004655.4 (MANE Select); coding-DNA position 1872, G replaced by A.
Protein change: p.Leu624=; no amino-acid change (leucine 624 retained).
Molecular consequence: synonymous variant. On other transcripts: intron variant (1).
Genome position (GRCh38, 1-based): chr17:65,536,904, C>T on the plus strand (G>A on the coding strand, the complement: AXIN2 is on the minus strand). VCF-style: chr17-65536904-C-T. GRCh37 (hg19) VCF-style: chr17-63533022-C-T.
Other names: c.1713-351G>A (NM_001363813.1).
Identifiers: ClinVar variation 820199 (VCV000820199.14), dbSNP rs1598097741, ClinGen allele CA501691062.